The following is an entry in ClinVar:

ClinVar aggregate classification (germline): Uncertain significance. Review status: criteria provided, multiple submitters, no conflicts (2 of 4 stars). 2 submissions from 2 submitters: Uncertain significance (2). Last evaluated 2025-08-25.

Conditions:
Malignant hyperthermia, susceptibility to, 5 (MHS5). Also called: CACNA1S-Related Malignant Hyperthermia Susceptibility. Identifiers: Orphanet 423, MedGen C1866077, MONDO:0011163, OMIM 601887.

Submissions (2):

Color Diagnostics, LLC DBA Color Health
Classification: Uncertain significance for Malignant hyperthermia, susceptibility to, 5. Last evaluated: 2025-08-25. Review status: criteria provided, single submitter. Criteria: ACMG Guidelines, 2015. Collection method: clinical testing. Allele origin: germline.
Comment: This variant causes a C to T nucleotide substitution at the +5 position of intron 25/43 of the CACNA1S gene. To our knowledge, functional studies have not been reported for this variant. This variant has not been reported in individuals affected with CACNA1S-related disorders in the literature. This variant has not been identified in the general population by the Genome Aggregation Database (gnomAD). The available evidence is insufficient to determine the role of this variant in disease conclusively. Therefore, this variant is classified as a Variant of Uncertain Significance.

All of Us Research Program, National Institutes of Health
Classification: Uncertain significance for Malignant hyperthermia, susceptibility to, 5. Last evaluated: 2024-05-09. Review status: criteria provided, single submitter. Criteria: ACMG Guidelines, 2015. Collection method: clinical testing. Allele origin: germline. Inheritance: Autosomal dominant inheritance. Observed: 1 variant allele, 1 heterozygote.
Comment: This study involves interpretation of variants in research participants for the purpose of population health screening. Participant phenotype was not available at the time of variant classification. Additional details can be found in publication PMID: 35346344, PMCID: PMC8962531

NM_000069.3(CACNA1S):c.3255+5C>T

Gene: CACNA1S (calcium voltage-gated channel subunit alpha1 S; minus strand). Cytogenetic location: 1q32.1.
Variant type: single nucleotide variant.
Coding change: c.3255+5C>T on transcript NM_000069.3 (MANE Select); 5 bases into the intron after coding-DNA position 3255, C replaced by T.
Molecular consequence: intron variant.
Genome position (GRCh38, 1-based): chr1:201,061,262, G>A on the plus strand (C>T on the coding strand, the complement: CACNA1S is on the minus strand). VCF-style: chr1-201061262-G-A. GRCh37 (hg19) VCF-style: chr1-201030390-G-A.
Identifiers: ClinVar variation 3386331 (VCV003386331.2).